The following is an entry in ClinVar:

NM_001277115.2(DNAH11):c.10737T>G (p.Phe3579Leu)

Gene: DNAH11 (dynein axonemal heavy chain 11; plus strand). Cytogenetic location: 7p15.3.
Variant type: single nucleotide variant.
Coding change: c.10737T>G on transcript NM_001277115.2 (MANE Select); coding-DNA position 10737, T replaced by G.
Protein change: p.Phe3579Leu; replaces phenylalanine 3579 with leucine.
Molecular consequence: missense variant.
Genome position (GRCh38, 1-based): chr7:21,842,589, T>G. VCF-style: chr7-21842589-T-G. GRCh37 (hg19) VCF-style: chr7-21882207-T-G.
Other names: short protein forms F3579L.
Identifiers: ClinVar variation 1397012 (VCV001397012.13), dbSNP rs369261194, ClinGen allele CA4182473.
Genomic context (GRCh38, chr7:21,842,589, plus strand): 5'-TTTTGCTCCGTTTAGGTATATCAGGATTGGAGATAAAGAATGTGAATTTAACAAGAACTT[T>G]CGCCTTATCCTTCACACAAAATTGGCAAATCCTCACTATAAGCCGGAATTACAAGCTCAG-3'
Protein context (NP_001264044.1, residues 3569-3589): GDKECEFNKN[Phe3579Leu]RLILHTKLAN

ClinVar aggregate classification (germline): Uncertain significance (1 of 4 stars; one submission).

Conditions:
Primary ciliary dyskinesia. Also called: Ciliary dyskinesia. Identifiers: Orphanet 244, MedGen C0008780, MONDO:0016575, HP:0012265.

Allele frequency attached by ClinVar (database versions not stated): ExAC 0.00001; gnomAD 0.00001; TOPMed 0.00002; ESP Exome Variant Server 0.00017.
gnomAD v4.1: 36 of 1,613,824 alleles (0.0022%); highest among the groups gnomAD compares: Non-Finnish European, 0.003%; no homozygotes.

Submission:

Labcorp Genetics (formerly Invitae), Labcorp
Classification: Uncertain significance for Primary ciliary dyskinesia. Last evaluated: 2021-09-24. Review status: criteria provided, single submitter. Criteria: Invitae Variant Classification Sherloc (09022015). Collection method: clinical testing. Allele origin: germline.
Comment: This sequence change replaces phenylalanine with leucine at codon 3579 of the DNAH11 protein (p.Phe3579Leu). The phenylalanine residue is highly conserved and there is a small physicochemical difference between phenylalanine and leucine. This variant is present in population databases (rs369261194, ExAC 0.002%). This variant has not been reported in the literature in individuals with DNAH11-related conditions. Algorithms developed to predict the effect of missense changes on protein structure and function are either unavailable or do not agree on the potential impact of this missense change (SIFT: "Deleterious"; PolyPhen-2: "Probably Damaging"; Align-GVGD: "Class C15"). In summary, the available evidence is currently insufficient to determine the role of this variant in disease. Therefore, it has been classified as a Variant of Uncertain Significance.